The following is an entry in ClinVar:

NM_001166108.2(PALLD):c.1045C>T (p.Pro349Ser)

Gene: PALLD (palladin, cytoskeletal associated protein; plus strand). Cytogenetic location: 4q32.3.
Variant type: single nucleotide variant.
Coding change: c.1045C>T on transcript NM_001166108.2 (MANE Select); coding-DNA position 1045, C replaced by T.
Protein change: p.Pro349Ser; replaces proline 349 with serine.
Molecular consequence: missense variant. On other transcripts: 5 prime UTR variant (1).
Genome position (GRCh38, 1-based): chr4:168,668,326, C>T. VCF-style: chr4-168668326-C-T. GRCh37 (hg19) VCF-style: chr4-169589477-C-T.
Other names: c.-102C>T (NM_001166109.2); c.1045C>T, p.Pro349Ser (NM_016081.4); short protein forms P349S.
Identifiers: ClinVar variation 3304075 (VCV003304075.1).
Genomic context (GRCh38, chr4:168,668,326, plus strand): 5'-CTGATCATAGCAGAGGCCTTTGAGGACGACACAGGTCGCTACACCTGTTTGGCTACGAAT[C>T]CCAGCGGCTCAGACACAACATCTGCTGAGGTGTTCATTGAAGGTAAGGAGGGGTGCCTGG-3'
Protein context (NP_001159580.1, residues 339-359): TGRYTCLATN[Pro349Ser]SGSDTTSAEV

ClinVar aggregate classification (germline): Uncertain significance (1 of 4 stars; one submission).

Submission:

Ambry Genetics
Classification: Uncertain significance. Last evaluated: 2024-05-02. Review status: criteria provided, single submitter. Criteria: Ambry Variant Classification Scheme 2023. Collection method: clinical testing. Allele origin: germline.
Comment: The p.P349S variant (also known as c.1045C>T), located in coding exon 2 of the PALLD gene, results from a C to T substitution at nucleotide position 1045. The proline at codon 349 is replaced by serine, an amino acid with similar properties. This amino acid position is conserved. In addition, this alteration is predicted to be tolerated by in silico analysis. Based on the available evidence, the clinical significance of this variant remains unclear.